The following is an entry in ClinVar:

NM_000551.4(VHL):c.340+702_340+705del

Genes: VHL (von Hippel-Lindau tumor suppressor; plus strand), LOC107303340 (3p25 von Hippel-Lindau tumor suppressor, E3 ubiquitin protein ligase Alu-mediated recombination region; plus strand). Cytogenetic location: 3p25.3.
Variant type: Deletion.
Coding change: c.340+702_340+705del on transcript NM_000551.4 (MANE Select); bases 702 to 705 of the intron after coding-DNA position 340, 4 bases deleted (ACCG; older notation c.340+702_340+705delACCG).
Molecular consequence: intron variant. On other transcripts: frameshift variant (1).
Genome position (GRCh38, 1-based): chr3:10,142,889-10,142,892, ACCG deleted; deleting any 4 consecutive bases within chr3:10,142,886-10,142,892 gives the same sequence; the c. name uses the placement nearest the transcript's 3' end. VCF-style (leftmost placement, unchanged base first): chr3-10142885-GCCGA-G. GRCh37 (hg19) VCF-style: chr3-10184569-GCCGA-G.
Other names: c.467_470del, p.Asp156fs (NM_001354723.2); c.340+702_340+705del (NM_198156.3); short protein forms D156fs.
Identifiers: ClinVar variation 1441653 (VCV001441653.8), dbSNP rs2125125997, ClinGen allele CA2573136120.

ClinVar aggregate classification (germline): Uncertain significance (1 of 4 stars; one submission).

Conditions:
Chuvash polycythemia. Also called: POLYCYTHEMIA, VHL-DEPENDENT. Identifiers: Orphanet 238557, MedGen C1837915, MONDO:0009892, OMIM 263400.
Von Hippel-Lindau syndrome (VHLS). Also called: von Hippel–Lindau syndrome; Von Hippel-Lindau; VHL syndrome. Identifiers: Orphanet 892, MedGen C0019562, MONDO:0008667, OMIM 193300. Disease mechanism: loss of function.

Submission:

Labcorp Genetics (formerly Invitae), Labcorp
Classification: Uncertain significance for Von Hippel-Lindau syndrome; Chuvash polycythemia. Last evaluated: 2021-04-13. Review status: criteria provided, single submitter. Criteria: Invitae Variant Classification Sherloc (09022015). Collection method: clinical testing. Allele origin: germline.
Comment: In summary, the available evidence is currently insufficient to determine the role of this variant in disease. Therefore, it has been classified as a Variant of Uncertain Significance. Algorithms developed to predict the effect of sequence changes on RNA splicing suggest that this variant may create or strengthen a splice site, but this prediction has not been confirmed by published transcriptional studies. This variant has not been reported in the literature in individuals with VHL-related conditions. The frequency data for this variant in the population databases is considered unreliable, as metrics indicate insufficient coverage at this position in the ExAC database. This sequence change falls in intron 1 of the VHL gene. It is not expected to change the encoded amino acid sequence of the VHL protein. However, this sequence change falls within a cryptic exon in the VHL gene, known as exon E1’, which is naturally expressed at low levels in several human tissues (PMID: 29891534).

Literature cited by the submitters: PubMed 29891534.